The following is an entry in ClinVar:

NM_021020.5(LZTS1):c.844C>G (p.Arg282Gly)

Gene: LZTS1 (leucine zipper tumor suppressor 1; minus strand). Cytogenetic location: 8p21.3.
Variant type: single nucleotide variant.
Coding change: c.844C>G on transcript NM_021020.5 (MANE Select); coding-DNA position 844, C replaced by G.
Protein change: p.Arg282Gly; replaces arginine 282 with glycine.
Molecular consequence: missense variant.
Genome position (GRCh38, 1-based): chr8:20,253,087, G>C on the plus strand (C>G on the coding strand, the complement: LZTS1 is on the minus strand). VCF-style: chr8-20253087-G-C. GRCh37 (hg19) VCF-style: chr8-20110598-G-C.
Other names: c.844C>G, p.Arg282Gly (NM_001362884.2); short protein forms R282G.
Identifiers: ClinVar variation 3701763 (VCV003701763.2).

ClinVar aggregate classification (germline): Uncertain significance (1 of 4 stars; one submission).

gnomAD v4.1: 1 of 1,609,900 alleles (0.000062%); highest among the groups gnomAD compares: African/African-American, 0.0013%; no homozygotes.

Submission:

Labcorp Genetics (formerly Invitae), Labcorp
Classification: Uncertain significance. Last evaluated: 2025-01-15. Review status: criteria provided, single submitter. Criteria: Invitae Variant Classification Sherloc (09022015). Collection method: clinical testing. Allele origin: germline.
Comment: This sequence change replaces arginine, which is basic and polar, with glycine, which is neutral and non-polar, at codon 282 of the LZTS1 protein (p.Arg282Gly). This variant is not present in population databases (gnomAD no frequency). This variant has not been reported in the literature in individuals affected with LZTS1-related conditions. Invitae Evidence Modeling of protein sequence and biophysical properties (such as structural, functional, and spatial information, amino acid conservation, physicochemical variation, residue mobility, and thermodynamic stability) indicates that this missense variant is not expected to disrupt LZTS1 protein function with a negative predictive value of 80%. In summary, the available evidence is currently insufficient to determine the role of this variant in disease. Therefore, it has been classified as a Variant of Uncertain Significance.